The following is an entry in ClinVar:

NM_020822.3(KCNT1):c.3177+67A>T

Gene: KCNT1 (potassium sodium-activated channel subfamily T member 1; plus strand). Cytogenetic location: 9q34.3.
Variant type: single nucleotide variant.
Coding change: c.3177+67A>T on transcript NM_020822.3 (MANE Select); 67 bases into the intron after coding-DNA position 3177, A replaced by T.
Molecular consequence: intron variant.
Genome position (GRCh38, 1-based): chr9:135,785,397, A>T. VCF-style: chr9-135785397-A-T. GRCh37 (hg19) VCF-style: chr9-138677243-A-T.
Other names: c.3042+67A>T (NM_001272003.2).
Identifiers: ClinVar variation 677449 (VCV000677449.2), dbSNP rs111386077, ClinGen allele CA5327684.

ClinVar aggregate classification (germline): Benign. Review status: criteria provided, multiple submitters, no conflicts (2 of 4 stars). 2 submissions from 2 submitters: Benign (2). Last evaluated 2018-06-19.

Allele frequency attached by ClinVar (database versions not stated): gnomAD exomes 0.00193 and 0.00562; ExAC 0.00800; ESP Exome Variant Server 0.01205; gnomAD 0.01353 and 0.01391; TOPMed 0.01605; 1000 Genomes Project 0.02097; 1000 Genomes Project 30x 0.02280.
gnomAD v4.1: 4,926 of 1,581,154 alleles (0.31%); highest among the groups gnomAD compares: African/African-American, 4.3%; 88 homozygotes.

Submissions (2):

GeneDx
Classification: Benign. Last evaluated: 2018-06-19. Review status: criteria provided, single submitter. Criteria: GeneDx Variant Classification (06012015). Collection method: clinical testing. Allele origin: germline. Affected: yes.
Comment: This variant is considered likely benign or benign based on one or more of the following criteria: it is a conservative change, it occurs at a poorly conserved position in the protein, it is predicted to be benign by multiple in silico algorithms, and/or has population frequency not consistent with disease.

Breakthrough Genomics
Classification: Benign. Review status: criteria provided, single submitter. Criteria: ACMG Guidelines, 2015. Collection method: not provided. Allele origin: germline. Inheritance: Autosomal dominant inheritance. Affected: yes.